The following is an entry in ClinVar:

ClinVar aggregate classification (germline): Uncertain significance (1 of 4 stars; one submission).

Conditions:
Duchenne muscular dystrophy (DMD). Also called: MUSCULAR DYSTROPHY, PSEUDOHYPERTROPHIC PROGRESSIVE, DUCHENNE TYPE; Duchenne Muscular Dystrophy (DMD). Identifiers: Orphanet 98896, MedGen C0013264, MONDO:0010679, OMIM 310200.

Allele frequency attached by ClinVar (database versions not stated): gnomAD exomes below 0.00001.
gnomAD v4.1: 1 of 1,191,122 alleles (0.000084%); highest among the groups gnomAD compares: Non-Finnish European, 0.00011%; no homozygotes.

Submission:

Labcorp Genetics (formerly Invitae), Labcorp
Classification: Uncertain significance for Duchenne muscular dystrophy. Last evaluated: 2022-08-09. Review status: criteria provided, single submitter. Criteria: Invitae Variant Classification Sherloc (09022015). Collection method: clinical testing. Allele origin: germline.
Comment: This sequence change falls in intron 31 of the DMD gene. It does not directly change the encoded amino acid sequence of the DMD protein. It affects a nucleotide within the consensus splice site. This variant is not present in population databases (gnomAD no frequency). This variant has not been reported in the literature in individuals affected with DMD-related conditions. Variants that disrupt the consensus splice site are a relatively common cause of aberrant splicing (PMID: 17576681, 9536098). Algorithms developed to predict the effect of sequence changes on RNA splicing suggest that this variant may disrupt the consensus splice site. In summary, the available evidence is currently insufficient to determine the role of this variant in disease. Therefore, it has been classified as a Variant of Uncertain Significance.

Literature cited by the submitters: PubMed 17576681; PubMed 9536098.

NM_004006.3(DMD):c.4344+4T>G

Gene: DMD (dystrophin; minus strand). Cytogenetic location: Xp21.1.
Variant type: single nucleotide variant.
Coding change: c.4344+4T>G on transcript NM_004006.3 (MANE Select); 4 bases into the intron after coding-DNA position 4344, T replaced by G.
Molecular consequence: intron variant.
Genome position (GRCh38, 1-based): chrX:32,390,067, A>C on the plus strand (T>G on the coding strand, the complement: DMD is on the minus strand). VCF-style: chrX-32390067-A-C. GRCh37 (hg19) VCF-style: chrX-32408184-A-C.
Other names: c.4320+4T>G (NM_000109.4); c.321+4T>G (NM_004011.4); c.312+4T>G (NM_004012.4); c.4332+4T>G (NM_004009.3); c.3975+4T>G (NM_004010.3).
Identifiers: ClinVar variation 2151698 (VCV002151698.1), dbSNP rs2523131480, ClinGen allele CA2579579753.